The following is an entry in ClinVar:

NM_024298.5(MBOAT7):c.1031G>A (p.Arg344Gln)

Gene: MBOAT7 (membrane bound acylglycerophosphatidylinositol O-acyltransferase MBOAT7; minus strand). Cytogenetic location: 19q13.42.
Variant type: single nucleotide variant.
Coding change: c.1031G>A on transcript NM_024298.5 (MANE Select); coding-DNA position 1031, G replaced by A.
Protein change: p.Arg344Gln; replaces arginine 344 with glutamine.
Molecular consequence: missense variant.
Genome position (GRCh38, 1-based): chr19:54,178,765, C>T on the plus strand (G>A on the coding strand, the complement: MBOAT7 is on the minus strand). VCF-style: chr19-54178765-C-T. GRCh37 (hg19) VCF-style: chr19-54682482-C-T.
Other names: c.812G>A, p.Arg271Gln (NM_001146056.3, NM_001146083.3); c.1031G>A, p.Arg344Gln (NM_001146082.3); short protein forms R344Q, R271Q.
Identifiers: ClinVar variation 1028296 (VCV001028296.3), dbSNP rs761899500, ClinGen allele CA309346230.

ClinVar aggregate classification (germline): Uncertain significance. Review status: criteria provided, multiple submitters, no conflicts (2 of 4 stars). 2 submissions from 2 submitters: Uncertain significance (2). Last evaluated 2020-01-31.

Conditions:
Intellectual developmental disorder, autosomal recessive 57. Also called: Intellectual disability, autosomal recessive 57. Identifiers: MedGen C4310673, MONDO:0014962, OMIM 617188.

gnomAD v4.1: 4 of 1,613,256 alleles (0.00025%); highest among the groups gnomAD compares: East Asian, 0.0022%; no homozygotes.

Submissions (2):

GeneDx
Classification: Uncertain significance. Last evaluated: 2020-01-31. Review status: criteria provided, single submitter. Criteria: GeneDx Variant Classification Process June 2021. Collection method: clinical testing. Allele origin: germline. Affected: yes.
Comment: In-silico analysis, which includes splice predictors and evolutionary conservation, is inconclusive as to whether the variant alters gene splicing. In the absence of RNA/functional studies, the actual effect of this sequence change is unknown.; Has not been previously published as pathogenic or benign to our knowledge; Not observed at a significant frequency in large population cohorts (Lek et al., 2016)

Baylor Genetics
Classification: Uncertain significance for Intellectual developmental disorder, autosomal recessive 57. Last evaluated: 2019-01-24. Review status: criteria provided, single submitter. Criteria: ACMG Guidelines, 2015. Collection method: clinical testing. Allele origin: unknown. Affected: yes.
Comment: This variant was determined to be of uncertain significance according to ACMG Guidelines, 2015 [PMID:25741868].